The following is an entry in ClinVar:

ClinVar aggregate classification (germline): Pathogenic (1 of 4 stars; one submission).

Conditions:
Intellectual developmental disorder, autosomal dominant 50, with behavioral abnormalities. Also called: MENTAL RETARDATION, AUTOSOMAL DOMINANT 50; Intellectual disability, autosomal dominant 50. Identifiers: MedGen C4540470, MONDO:0030916, OMIM 617787.

Submission:

Variantyx, Inc.
Classification: Pathogenic for Intellectual developmental disorder, autosomal dominant 50, with behavioral abnormalities. Last evaluated: 2025-06-18. Review status: criteria provided, single submitter. Criteria: Variantyx Assertion Criteria 2022. Collection method: clinical testing. Allele origin: de novo. Inheritance: Autosomal dominant inheritance. Affected: yes.
Comment: This is a frameshift variant in the NAA15 gene (OMIM: 608000). Pathogenic variants in this gene have been associated with autosomal dominant intellectual developmental disorder 50 with behavioral abnormalities. This variant introduces a premature termination codon in exon 3 out of 20 and is expected to result in loss of function, which is a known disease mechanism for NAA15 in this disorder (PMID: 28191889, 29656860, 28263302) (PVS1). This variant is absent from control populations (PM2) and has not been reported in individuals with NAA15-related disorders in the databases available for review. Based on the current evidence, this variant is classified as pathogenic for autosomal dominant intellectual developmental disorder 50 with behavioral abnormalities.

Literature cited by the submitters: PubMed 28191889; PubMed 29656860; PubMed 28263302.

NM_057175.5(NAA15):c.167del (p.Thr55_Leu56insTer)

Gene: NAA15 (N-alpha-acetyltransferase 15, NatA auxiliary subunit; plus strand). Cytogenetic location: 4q31.1.
Variant type: Deletion.
Coding change: c.167del on transcript NM_057175.5 (MANE Select); coding-DNA position 167, one base deleted (T; older notation c.167delT).
Protein change: p.Thr55_Leu56insTer.
Molecular consequence: nonsense.
Genome position (GRCh38, 1-based): chr4:139,336,875, T deleted; the last of 2 consecutive T bases (chr4:139,336,874-139,336,875); deleting either gives the same sequence. VCF-style (leftmost placement, unchanged base first): chr4-139336873-AT-A. GRCh37 (hg19) VCF-style: chr4-140258027-AT-A.
Other names: c.167del, p.Thr55_Leu56insTer (NM_001410842.1).
Identifiers: ClinVar variation 4813755 (VCV004813755.1).
Genomic context (GRCh38, chr4:139,336,873, plus strand): 5'-AAAATGTTCCTTTTCTTCTTTGTTTTTGAAAATAGAAACCTTGGCTATGAAAGGATTAAC[AT>A]TGAACTGTTTGGGGAAAAAGGAAGAAGCTTATGAATTGGTTCGTAGAGGTTTGAGAAATG-3'